The following is an entry in ClinVar:

NM_006767.4(LZTR1):c.847C>G (p.Arg283Gly)

Gene: LZTR1 (leucine zipper like post translational regulator 1; plus strand). Cytogenetic location: 22q11.21.
Variant type: single nucleotide variant.
Coding change: c.847C>G on transcript NM_006767.4 (MANE Select); coding-DNA position 847, C replaced by G.
Protein change: p.Arg283Gly; replaces arginine 283 with glycine.
Molecular consequence: missense variant.
Genome position (GRCh38, 1-based): chr22:20,991,683, C>G. VCF-style: chr22-20991683-C-G. GRCh37 (hg19) VCF-style: chr22-21345972-C-G.
Other names: short protein forms R283G.
Identifiers: ClinVar variation 3708459 (VCV003708459.2).
Genomic context (GRCh38, chr22:20,991,683, plus strand): 5'-CCCAGGTGGACACGCATCCCAACTGAACACCTGCTCCGGGGCTCCCCACCACCCCCGCAG[C>G]GGCGCTACGGGCATACCATGGTGGCCTTTGACCGCCACCTCTATGTGTTTGGGGGTGCGG-3'
Protein context (NP_006758.2, residues 273-293): LLRGSPPPPQ[Arg283Gly]RYGHTMVAFD

ClinVar aggregate classification (germline): Uncertain significance (1 of 4 stars; one submission).

Submission:

Labcorp Genetics (formerly Invitae), Labcorp
Classification: Uncertain significance. Last evaluated: 2024-10-30. Review status: criteria provided, single submitter. Criteria: Invitae Variant Classification Sherloc (09022015). Collection method: clinical testing. Allele origin: germline.
Comment: This sequence change replaces arginine, which is basic and polar, with glycine, which is neutral and non-polar, at codon 283 of the LZTR1 protein (p.Arg283Gly). This variant is not present in population databases (gnomAD no frequency). This variant has not been reported in the literature in individuals affected with LZTR1-related conditions. Invitae Evidence Modeling of protein sequence and biophysical properties (such as structural, functional, and spatial information, amino acid conservation, physicochemical variation, residue mobility, and thermodynamic stability) indicates that this missense variant is not expected to disrupt LZTR1 protein function with a negative predictive value of 80%. This variant disrupts the p.Arg283 amino acid residue in LZTR1. Other variant(s) that disrupt this residue have been determined to be pathogenic (PMID: 30368668, 33258288; Internal data). This suggests that this residue is clinically significant, and that variants that disrupt this residue are likely to be disease-causing. In summary, the available evidence is currently insufficient to determine the role of this variant in disease. Therefore, it has been classified as a Variant of Uncertain Significance.

Literature cited by the submitters: PubMed 30368668; PubMed 33258288.